The following is an entry in ClinVar:

ClinVar aggregate classification (germline): Pathogenic/Likely pathogenic. Review status: criteria provided, multiple submitters, no conflicts (2 of 4 stars). 2 submissions from 2 submitters: Pathogenic (1); Likely pathogenic (1). Last evaluated 2024-08-08.

Conditions:
Hereditary breast ovarian cancer syndrome. Also called: Hereditary breast and ovarian cancer; Hereditary breast and ovarian cancer syndrome (HBOC); Breast and ovarian cancer; Hereditary breast and/or ovarian cancer syndrome; BRCA1- and BRCA2-Associated Hereditary Breast and Ovarian Cancer; Hereditary breast and ovarian cancer syndrome. Identifiers: Orphanet 145, MedGen C0677776, MeSH D061325, MONDO:0003582. Disease mechanism: loss of function.

Submissions (3):

Labcorp Genetics (formerly Invitae), Labcorp
Classification: Pathogenic for Hereditary breast ovarian cancer syndrome. Last evaluated: 2024-08-08. Review status: criteria provided, single submitter. Criteria: Invitae Variant Classification Sherloc (09022015). Collection method: clinical testing. Allele origin: germline.
Comment: This sequence change affects an acceptor splice site in intron 19 of the BRCA1 gene. It is expected to disrupt RNA splicing. Variants that disrupt the donor or acceptor splice site typically lead to a loss of protein function (PMID: 16199547), and loss-of-function variants in BRCA1 are known to be pathogenic (PMID: 20104584). This variant is not present in population databases (gnomAD no frequency). Disruption of this splice site has been observed in individual(s) with hereditary breast and/or ovarian cancer (PMID: 35864222). ClinVar contains an entry for this variant (Variation ID: 868283). Algorithms developed to predict the effect of variants on gene product structure and function are not available or were not evaluated for this variant. Experimental studies have shown that disruption of this splice site affects BRCA1 function (PMID: 30209399, 32803532). Algorithms developed to predict the effect of sequence changes on RNA splicing suggest that this variant may disrupt the consensus splice site. For these reasons, this variant has been classified as Pathogenic.

Breast Center, Key Laboratory of Carcinogenesis and Translational Research
Classification: Likely pathogenic for Hereditary breast and ovarian cancer syndrome. Last evaluated: 2020-05-01. Review status: criteria provided, single submitter. Criteria: ACMG Guidelines, 2015. Collection method: clinical testing. Allele origin: germline. Observed: 1 variant allele.

Brotman Baty Institute, University of Washington
No classification provided (evidence only). Condition: Breast-ovarian cancer, familial 1. Review status: no classification provided. Collection method: in vitro. Allele origin: not applicable. Functional consequence: functionally_abnormal. Not counted in ClinVar's aggregate classification.
ClinVar note: "not provided" was previously submitted as the classification for the variant. However, the classification appeared to be based only on an observation of functional data so it was converted to no classification on 2025-07-30.

Literature cited by the submitters: PubMed 16199547 (cited by Labcorp Genetics (formerly Invitae), Labcorp); PubMed 20104584 (cited by Labcorp Genetics (formerly Invitae), Labcorp); PubMed 35864222 (cited by Labcorp Genetics (formerly Invitae), Labcorp); PubMed 30209399 (cited by Labcorp Genetics (formerly Invitae), Labcorp and Breast Center, Key Laboratory of Carcinogenesis and Translational Research); PubMed 32803532 (cited by Labcorp Genetics (formerly Invitae), Labcorp).

NM_007294.4(BRCA1):c.5278-2A>C

Gene: BRCA1 (BRCA1 DNA repair associated; minus strand). Cytogenetic location: 17q21.31.
Variant type: single nucleotide variant.
Coding change: c.5278-2A>C on transcript NM_007294.4 (MANE Select); the canonical splice acceptor site of the intron before coding-DNA position 5278, A replaced by C.
Molecular consequence: splice acceptor variant. On other transcripts: intron variant (2).
Genome position (GRCh38, 1-based): chr17:43,051,119, T>G on the plus strand (A>C on the coding strand, the complement: BRCA1 is on the minus strand). VCF-style: chr17-43051119-T-G. GRCh37 (hg19) VCF-style: chr17-41203136-T-G.
Other names: c.5275-2A>C (NM_001407616.1, NM_001407614.1, NM_001407626.1 and 17 more transcripts); c.5341-2A>C (NM_007300.4, NM_001407587.1, NM_001407585.1 and 1 more transcripts); c.5344-2A>C (NM_001407581.1, NM_001407582.1); c.4771-2A>C (NM_001407965.1); c.5011-2A>C (NM_001407930.1, NM_001407928.1, NM_001407929.1 and 4 more transcripts); c.5131-2A>C (NM_001407843.1, NM_001407846.1, NM_001407850.1 and 12 more transcripts); c.1828-2A>C (NM_001408456.1, NM_001408455.1, NM_001408452.1 and 3 more transcripts); c.5134-2A>C (NM_001407733.1, NM_001407943.1, NM_001407748.1 and 21 more transcripts); and 74 more.
Identifiers: ClinVar variation 868283 (VCV000868283.7), dbSNP rs397509253, ClinGen allele CA10590993.